The following is an entry in ClinVar:

ClinVar aggregate classification (germline): Uncertain significance. Review status: criteria provided, multiple submitters, no conflicts (2 of 4 stars). 3 submissions from 3 submitters: Uncertain significance (3). Last evaluated 2025-10-17.

Conditions:
PKD1-related disorder. Also called: PKD1-related condition.
Inborn genetic diseases. Identifiers: MedGen C0950123, MeSH D030342.

Submissions (3):

PreventionGenetics, part of Exact Sciences
Classification: Uncertain significance for PKD1-related condition. Last evaluated: 2025-10-17. Review status: criteria provided, single submitter. Criteria: ACMG Guidelines, 2015. Collection method: clinical testing. Allele origin: germline.
Comment: The PKD1 c.9233T>A variant is predicted to result in the amino acid substitution p.Met3078Lys. To our knowledge, this variant has not been reported in the literature. This variant is reported in 0.0057% of alleles in individuals of European (Non-Finnish) descent in gnomAD. At this time, the clinical significance of this variant is uncertain due to the absence of conclusive functional and genetic evidence.

Ambry Genetics
Classification: Uncertain significance for Inborn genetic diseases. Last evaluated: 2025-01-21. Review status: criteria provided, single submitter. Criteria: Ambry Variant Classification Scheme 2023. Collection method: clinical testing. Allele origin: germline.

GeneDx
Classification: Uncertain significance. Last evaluated: 2024-06-03. Review status: criteria provided, single submitter. Criteria: GeneDx Variant Classification Process June 2021. Collection method: clinical testing. Allele origin: germline.
Comment: In silico analysis supports that this missense variant has a deleterious effect on protein structure/function; Has not been previously published as pathogenic or benign to our knowledge

NM_001009944.3(PKD1):c.9233T>A (p.Met3078Lys)

Gene: PKD1 (polycystin 1, transient receptor potential channel interacting; minus strand). Cytogenetic location: 16p13.3.
Variant type: single nucleotide variant.
Coding change: c.9233T>A on transcript NM_001009944.3 (MANE Select); coding-DNA position 9233, T replaced by A.
Protein change: p.Met3078Lys; replaces methionine 3078 with lysine.
Molecular consequence: missense variant.
Genome position (GRCh38, 1-based): chr16:2,102,225, A>T on the plus strand (T>A on the coding strand, the complement: PKD1 is on the minus strand). VCF-style: chr16-2102225-A-T. GRCh37 (hg19) VCF-style: chr16-2152226-A-T.
Other names: c.9233T>A, p.Met3078Lys (NM_000296.4); c.9233T>A (NM_000296.3); short protein forms M3078K.
Identifiers: ClinVar variation 2497942 (VCV002497942.4), dbSNP rs879544330, ClinGen allele CA394358227.